The following is an entry in ClinVar:

NM_004187.5(KDM5C):c.202dup (p.Arg68fs)

Gene: KDM5C (lysine demethylase 5C; minus strand). Cytogenetic location: Xp11.22.
Variant type: Duplication.
Coding change: c.202dup on transcript NM_004187.5 (MANE Select); coding-DNA position 202, one base duplicated (C; older notation c.202dupC).
Protein change: p.Arg68fs; shifts the reading frame from arginine 68.
Molecular consequence: frameshift variant. On other transcripts: non-coding transcript variant (3), intron variant (1).
Genome position (GRCh38, 1-based): chrX:53,220,865, G duplicated on the plus strand (C on the coding strand, the reverse complement: KDM5C is on the minus strand); the first of 6 consecutive G bases (chrX:53,220,865-53,220,870); duplicating any one gives the same sequence. VCF-style (leftmost placement, unchanged base first): chrX-53220864-C-CG. GRCh37 (hg19) VCF-style: chrX-53250046-C-CG.
Other names: c.202dup, p.Arg68fs (NM_001282622.3, NM_001353978.3, NM_001353979.2 and 3 more transcripts); c.151-2899dup (NM_001146702.2); short protein forms R68fs.
Identifiers: ClinVar variation 9773 (VCV000009773.3), dbSNP rs782600511, ClinGen allele CA10419736.

ClinVar aggregate classification (germline): Pathogenic. Review status: criteria provided, single submitter (1 of 4 stars). 2 submissions from 2 submitters: Pathogenic (1). 1 of the submissions does not count toward it. Last evaluated 2022-02-07.

Conditions:
Intellectual developmental disorder, X-linked, syndromic, Claes-Jensen type. Also called: INTELLECTUAL DEVELOPMENTAL DISORDER, X-LINKED, SYNDROMIC 16; MENTAL RETARDATION, X-LINKED, SYNDROMIC 16; Syndromic X-linked intellectual disability Claes-Jensen type. Identifiers: Orphanet 85279, MedGen C1845243, MONDO:0010355, OMIM 300534.

Submissions (2):

Institute of Human Genetics, Clinical Exome/Genome Diagnostics Group, University Hospital Bonn
Classification: Pathogenic for Intellectual developmental disorder, X-linked, syndromic, Claes-Jensen type. Last evaluated: 2022-02-07. Review status: criteria provided, single submitter. Criteria: ACMG Guidelines, 2015. Collection method: clinical testing. Allele origin: de novo. Affected: yes.
Comment: PVS1, PS2, PP5

OMIM
Classification: Pathogenic for INTELLECTUAL DEVELOPMENTAL DISORDER, X-LINKED, SYNDROMIC, CLAES-JENSEN TYPE. Last evaluated: 2005-02-01. Review status: no assertion criteria provided. Collection method: literature only. Allele origin: germline. Not counted in ClinVar's aggregate classification.

Literature cited by the submitters: PubMed 15586325 (cited by OMIM).